The following is an entry in ClinVar:

ClinVar aggregate classification (germline): Conflicting classifications of pathogenicity. Review status: criteria provided, conflicting classifications (1 of 4 stars). 6 submissions from 6 submitters: Uncertain significance (4); Likely benign (2). Last evaluated 2026-06-12.

Conditions:
MYBPC3-related disorder. Also called: MYBPC3-related disorders; MYBPC3-related condition; MYBPC3-related disease.
Cardiovascular phenotype. Identifiers: MedGen CN230736.
Cardiomyopathy (CMYO). Also called: Cardiomyopathies. Identifiers: Orphanet 167848, MedGen C0878544, MONDO:0004994, HP:0001638. Inheritance: Various modes of inheritance.
Primary dilated cardiomyopathy (DCM). Also called: Dilated Cardiomyopathy. Identifiers: Orphanet 217604, MedGen C0007193, MeSH D002311, MONDO:0005021, HP:0001644. Inheritance: Various modes of inheritance.
Hypertrophic cardiomyopathy. Also called: HYPERTROPHIC MYOCARDIOPATHY. Identifiers: Orphanet 217569, MedGen C0007194, MeSH D002312, MONDO:0005045, HP:0001639.

Allele frequency attached by ClinVar (database versions not stated): gnomAD 0.00001; gnomAD exomes 0.00001 and 0.00004; ExAC 0.00007.
gnomAD v4.1: 6 of 1,609,264 alleles (0.00037%); highest among the groups gnomAD compares: East Asian, 0.013%; no homozygotes.

Submissions (6):

PreventionGenetics, part of Exact Sciences
Classification: Uncertain significance for MYBPC3-related condition. Last evaluated: 2026-06-12. Review status: criteria provided, single submitter. Criteria: ACMG Guidelines, 2015. Collection method: clinical testing. Allele origin: germline.
Comment: The MYBPC3 c.1091C>T variant is predicted to result in the amino acid substitution p.Ala364Val. This variant is found at the first nucleotide position of an exon and is predicted to impact splicing based on a splicing prediction program (SpliceAI, Jaganathan et al. 2019. PubMed ID: 30661751). To our knowledge, this variant has not been reported in the literature. This variant is reported in 0.056% of alleles in individuals of East Asian descent in gnomAD. Of note, other variants impacting this amino acid residue (p.Ala364Thr and p.Ala364Pro) have been reported in individuals with hypertrophic cardiomyopathy, and a splicing defect was documented for the p.Ala364Thr variant (Singer et al. 2019. PubMed ID: 30645170; Table S8 in McGurk et al. 2023. PubMed ID: 37652022). At this time, the clinical significance of the c.1091C>T (p.Ala364Val) variant is uncertain due to the absence of conclusive functional and genetic evidence.

Labcorp Genetics (formerly Invitae), Labcorp
Classification: Uncertain significance for Hypertrophic cardiomyopathy. Last evaluated: 2025-11-01. Review status: criteria provided, single submitter. Criteria: Invitae Variant Classification Sherloc (09022015). Collection method: clinical testing. Allele origin: germline.
Comment: This sequence change replaces alanine, which is neutral and non-polar, with valine, which is neutral and non-polar, at codon 364 of the MYBPC3 protein (p.Ala364Val). This variant is present in population databases (rs778161908, gnomAD 0.06%). This variant has not been reported in the literature in individuals affected with MYBPC3-related conditions. ClinVar contains an entry for this variant (Variation ID: 432853). An algorithm developed to predict the effect of missense changes on protein structure and function outputs the following: PolyPhen-2: "Benign". The valine amino acid residue is found in multiple mammalian species, which suggests that this missense change does not adversely affect protein function. This variant disrupts the p.Ala364 amino acid residue in MYBPC3. Other variant(s) that disrupt this residue have been determined to be pathogenic (PMID: 20513729, 21239446, 21302287, 25740977). This suggests that this residue is clinically significant, and that variants that disrupt this residue are likely to be disease-causing. In summary, the available evidence is currently insufficient to determine the role of this variant in disease. Therefore, it has been classified as a Variant of Uncertain Significance.

Clinical Center for Gene Diagnosis and Therapy, Department of Cardiovascular Surgery, The Second Xiangya Hospital of Central South University
Classification: Uncertain significance for Primary dilated cardiomyopathy. Last evaluated: 2023-06-01. Review status: criteria provided, single submitter. Criteria: ACMG Guidelines, 2015. Collection method: clinical testing. Allele origin: germline. Affected: yes.

Ambry Genetics
Classification: Likely benign for Cardiovascular phenotype. Last evaluated: 2022-09-21. Review status: criteria provided, single submitter. Criteria: Ambry Variant Classification Scheme 2023. Collection method: clinical testing. Allele origin: germline.

Color Diagnostics, LLC DBA Color Health
Classification: Likely benign for Cardiomyopathy. Last evaluated: 2020-01-01. Review status: criteria provided, single submitter. Criteria: ACMG Guidelines, 2015. Collection method: clinical testing. Allele origin: germline.

GeneDx
Classification: Uncertain significance. Last evaluated: 2017-06-19. Review status: criteria provided, single submitter. Criteria: GeneDx Variant Classification (06012015). Collection method: clinical testing. Allele origin: germline. Affected: yes.
Comment: A variant of uncertain significance has been identified in the MYBPC3 gene. The A364V variant has not been published as pathogenic or been reported as benign to our knowledge. This variant is observed in 7/7736 (0.1%) alleles from individuals of East Asian ancestry in the Exome Aggregation Consortium (ExAC) dataset, indicating it may be a rare benign variant in this population (Lek et al., 2016; Exome Variant Server). The A364V variant is a conservative amino acid substitution, which is not likely to impact secondary protein structure as these residues share similar properties. This substitution occurs at a position where amino acids with similar properties to alanine are tolerated across species and where valine is present as the wild type in at least two species. However, in silico analysis predicts this variant is probably damaging to the protein structure/function.

Literature cited by the submitters: PubMed 20513729 (cited by Labcorp Genetics (formerly Invitae), Labcorp); PubMed 21239446 (cited by Labcorp Genetics (formerly Invitae), Labcorp); PubMed 21302287 (cited by Labcorp Genetics (formerly Invitae), Labcorp); PubMed 25740977 (cited by Labcorp Genetics (formerly Invitae), Labcorp); PubMed 28679633 (cited by Ambry Genetics); PubMed 32841044 (cited by Ambry Genetics).

NM_000256.3(MYBPC3):c.1091C>T (p.Ala364Val)

Gene: MYBPC3 (myosin binding protein C3; minus strand). Cytogenetic location: 11p11.2.
Variant type: single nucleotide variant.
Coding change: c.1091C>T on transcript NM_000256.3 (MANE Select); coding-DNA position 1091, C replaced by T.
Protein change: p.Ala364Val; replaces alanine 364 with valine.
Molecular consequence: missense variant.
Genome position (GRCh38, 1-based): chr11:47,343,624, G>A on the plus strand (C>T on the coding strand, the complement: MYBPC3 is on the minus strand). VCF-style: chr11-47343624-G-A. GRCh37 (hg19) VCF-style: chr11-47365175-G-A.
Other names: c.1091C>T, p.Ala364Val (LRG_386t1); short protein forms A364V.
Identifiers: ClinVar variation 432853 (VCV000432853.19), dbSNP rs778161908, ClinGen allele CA042737.
Genomic context (GRCh38, chr11:47,343,624, plus strand): 5'-GTCAGCCGGATCTTGTGGCCTTTGCTCACCTGGTAGGCCGGCTCCAGCTTCTTCTGAAAG[G>A]CTGAGCACCACCCCTCAGCCCCGGCCACCCCACCGCCCGCACCCTGCTCCCCCAGGCCAA-3'
Protein context (NP_000247.2, residues 354-374): GMRRDEKKST[Ala364Val]FQKKLEPAYQ